The following is an entry in ClinVar:

NM_005956.4(MTHFD1):c.478G>C (p.Gly160Arg)

Gene: MTHFD1 (methylenetetrahydrofolate dehydrogenase, cyclohydrolase and formyltetrahydrofolate synthetase 1; plus strand). Cytogenetic location: 14q23.3.
Variant type: single nucleotide variant.
Coding change: c.478G>C on transcript NM_005956.4 (MANE Select); coding-DNA position 478, G replaced by C.
Protein change: p.Gly160Arg; replaces glycine 160 with arginine.
Molecular consequence: missense variant.
Genome position (GRCh38, 1-based): chr14:64,415,739, G>C. VCF-style: chr14-64415739-G-C. GRCh37 (hg19) VCF-style: chr14-64882457-G-C.
Other names: c.478G>C, p.Gly160Arg (NM_001364837.1); short protein forms G160R.
Identifiers: ClinVar variation 1951280 (VCV001951280.3), dbSNP rs201817260, ClinGen allele CA7225936.
Genomic context (GRCh38, chr14:64,415,739, plus strand): 5'-CTCAATGACTGTTTCATTCCTTGTACGCCTAAGGGATGCTTGGAACTCATCAAAGAGACA[G>C]GTAAAAACAACAAACCAAACAACAAGAAAGCACCATTTCCTGAATCCTGGTCTTGACATG-3'
Protein context (NP_005947.3, residues 150-170): KGCLELIKET[Gly160Arg]VPIAGRHAVV

ClinVar aggregate classification (germline): Uncertain significance (1 of 4 stars; one submission).

Allele frequency attached by ClinVar (database versions not stated): ExAC 0.00001; gnomAD 0.00001; gnomAD exomes 0.00001.
gnomAD v4.1: 22 of 1,613,688 alleles (0.0014%); highest among the groups gnomAD compares: Non-Finnish European, 0.0019%; no homozygotes.

Submission:

Labcorp Genetics (formerly Invitae), Labcorp
Classification: Uncertain significance. Last evaluated: 2025-11-24. Review status: criteria provided, single submitter. Criteria: Invitae Variant Classification Sherloc (09022015). Collection method: clinical testing. Allele origin: germline.
Comment: This sequence change replaces glycine, which is neutral and non-polar, with arginine, which is basic and polar, at codon 160 of the MTHFD1 protein (p.Gly160Arg). This variant also falls at the last nucleotide of exon 6, which is part of the consensus splice site for this exon. This variant is present in population databases (rs201817260, gnomAD 0.0009%). This variant has not been reported in the literature in individuals affected with MTHFD1-related conditions. ClinVar contains an entry for this variant (Variation ID: 1951280). An algorithm developed to predict the effect of missense changes on protein structure and function (PolyPhen-2) suggests that this variant is likely to be disruptive. Variants that disrupt the consensus splice site are a relatively common cause of aberrant splicing (PMID: 17576681, 9536098). Algorithms developed to predict the effect of sequence changes on RNA splicing suggest that this variant may disrupt the consensus splice site. In summary, the available evidence is currently insufficient to determine the role of this variant in disease. Therefore, it has been classified as a Variant of Uncertain Significance.

Literature cited by the submitters: PubMed 17576681; PubMed 9536098.